The following is an entry in ClinVar:

ClinVar aggregate classification (germline): Likely benign (0 of 4 stars; one submission).

Conditions:
VPS33B-related disorder. Also called: VPS33B-related condition.

Allele frequency attached by ClinVar (database versions not stated): gnomAD 0.00001; TOPMed 0.00001.
gnomAD v4.1: 1 of 1,613,262 alleles (0.000062%); highest among the groups gnomAD compares: African/African-American, 0.0013%; no homozygotes.

Submission:

PreventionGenetics, part of Exact Sciences
Classification: Likely benign for VPS33B-related condition. Last evaluated: 2021-03-09. Review status: no assertion criteria provided. Collection method: clinical testing. Allele origin: germline.
Comment: This variant is classified as likely benign based on ACMG/AMP sequence variant interpretation guidelines (Richards et al. 2015 PMID: 25741868, with internal and published modifications).

NM_018668.5(VPS33B):c.499-17T>C

Gene: VPS33B (VPS33B late endosome and lysosome associated; minus strand). Cytogenetic location: 15q26.1.
Variant type: single nucleotide variant.
Coding change: c.499-17T>C on transcript NM_018668.5 (MANE Select); 17 bases into the intron before coding-DNA position 499, T replaced by C.
Molecular consequence: intron variant.
Genome position (GRCh38, 1-based): chr15:91,007,590, A>G on the plus strand (T>C on the coding strand, the complement: VPS33B is on the minus strand). VCF-style: chr15-91007590-A-G. GRCh37 (hg19) VCF-style: chr15-91550820-A-G.
Other names: c.418-17T>C (NM_001289148.1); c.226-17T>C (NM_001289149.1).
Identifiers: ClinVar variation 3030939 (VCV003030939.2), dbSNP rs1032953247, ClinGen allele CA274753665.